The following is an entry in ClinVar:

ClinVar aggregate classification (germline): Pathogenic (1 of 4 stars; one submission).

Conditions:
Peroxisome biogenesis disorder. Identifiers: Orphanet 79189, MedGen C1832200, MONDO:0019234. Disease mechanism: loss of function.

Submission:

Labcorp Genetics (formerly Invitae), Labcorp
Classification: Pathogenic for Peroxisome biogenesis disorder. Last evaluated: 2023-06-19. Review status: criteria provided, single submitter. Criteria: Invitae Variant Classification Sherloc (09022015). Collection method: clinical testing. Allele origin: germline.
Comment: This variant is not present in population databases (gnomAD no frequency). For these reasons, this variant has been classified as Pathogenic. Retrotransposon insertions including LINE1 (L1), Alu, and SVA (SINE-VNTR-Alu) have been reported to be disease-causing through disruption of either a coding region or splice site (PMID: 19763152, 20307669, 22406018) and loss-of-function variants in PEX6 are known to be pathogenic (PMID: 8670792, 19877282, 21031596). Algorithms developed to predict the effect of sequence changes on RNA splicing suggest that this variant may disrupt the consensus splice site. This variant has not been reported in the literature in individuals affected with PEX6-related conditions. This sequence change inserts a large fragment of DNA, likely a transposable element, in exon 4 of the PEX6 gene (c.1149_1150ins?), causing a frameshift at codon 384 (p.Lys384fs). The exact size and sequence of the insertion cannot be determined by the current assay. However, the insertion is expected to result in an absent or disrupted protein product.

Literature cited by the submitters: PubMed 19763152; PubMed 20307669; PubMed 22406018; PubMed 8670792; PubMed 19877282; PubMed 21031596.

NM_000287.4(PEX6):c.1149_1150insTTTTTTTTTTTTTTTTTTTTNNNNNNNNNNCCACCTCCCTCCCGGACGGGGCGGCTGGCCAGGCGGGGGGGGGGCTGACCCCCCCATCTCCCTCCCGGACGGGGTGGGAAATGTTTTTT (p.Lys384delinsPhePhePhePhePhePheXaaXaaXaaXaaProProProSerArgThrGlyArgLeuAlaArgArgGlyGlyGlyTer)

Gene: PEX6 (peroxisomal biogenesis factor 6; minus strand). Cytogenetic location: 6p21.1.
Variant type: Microsatellite.
Coding change: c.1149_1150insTTTTTTTTTTTTTTTTTTTTNNNNNNNNNNCCACCTCCCTCCCGGACGGGGCGGCTGGCCAGGCGGGGGGGGGGCTGACCCCCCCATCTCCCTCCCGGACGGGGTGGGAAATGTTTTTT on transcript NM_000287.4 (MANE Select); coding-DNA positions 1149 to 1150, TTTTTTTTTTTTTTTTTTTTNNNNNNNNNNCCACCTCCCTCCCGGACGGGGCGGCTGGCCAGGCGGGGGGGGGGCTGACCCCCCCATCTCCCTCCCGGACGGGGTGGGAAATGTTTTTT inserted.
Protein change: p.Lys384delinsPhePhePhePhePhePheXaaXaaXaaXaaProProProSerArgThrGlyArgLeuAlaArgArgGlyGlyGlyTer.
Molecular consequence: nonsense. On other transcripts: non-coding transcript variant (1).
Genome position: GRCh38: chr6:42,969,969-42,969,982. GRCh37 (hg19), VCF-style position (the base before the change): chr6:42,937,706.
Other names: c.885_886insTTTTTTTTTTTTTTTTTTTTNNNNNNNNNNCCACCTCCCTCCCGGACGGGGCGGCTGGCCAGGCGGGGGGGGGGCTGACCCCCCCATCTCCCTCCCGGACGGGGTGGGAAATGTTTTTT, p.Lys296delinsPhePhePhePhePhePheXaaXaaXaaXaaProProProSerArgThrGlyArgLeuAlaArgArgGlyGlyGlyTer (NM_001316313.2).
Identifiers: ClinVar variation 2712829 (VCV002712829.3).